The following is an entry in ClinVar:

NM_001005242.3(PKP2):c.1379-1983C>A

Gene: PKP2 (plakophilin 2; minus strand). Cytogenetic location: 12p11.21.
Variant type: single nucleotide variant.
Coding change: c.1379-1983C>A on transcript NM_001005242.3 (MANE Select); 1983 bases into the intron before coding-DNA position 1379, C replaced by A.
Molecular consequence: intron variant. On other transcripts: missense variant (2).
Genome position (GRCh38, 1-based): chr12:32,843,188, G>T on the plus strand (C>A on the coding strand, the complement: PKP2 is on the minus strand). VCF-style: chr12-32843188-G-T. GRCh37 (hg19) VCF-style: chr12-32996122-G-T.
Other names: c.1379-1983C>A (NM_001407156.1, NM_001407155.1, NM_001407161.1); c.1052-1983C>A (NM_001407160.1, NM_001407159.1, NM_001407158.1 and 1 more transcripts); c.1504C>A, p.Gln502Lys (NM_001407157.1, NM_004572.4); short protein forms Q502K.
Identifiers: ClinVar variation 3071497 (VCV003071497.2), dbSNP rs377000496, ClinGen allele CA235250417.
Genomic context (GRCh38, chr12:32,843,188, plus strand): 5'-GACCACGACACCCGGCTAATTTTTTTGTATTTTGAGTAGAGACAGGGGTCTCACCATGTT[G>T]GTCAGGCTGGTCTCGAACTCCTGACCTCGTGATCCGCCCGCCTTGGCCTCCCAAAGTGCT-3'

ClinVar aggregate classification (germline): Uncertain significance. Review status: criteria provided, multiple submitters, no conflicts (2 of 4 stars). 2 submissions from 2 submitters: Uncertain significance (2). Last evaluated 2025-06-29.

Conditions:
Cardiomyopathy (CMYO). Also called: Cardiomyopathies. Identifiers: Orphanet 167848, MedGen C0878544, MONDO:0004994, HP:0001638. Inheritance: Various modes of inheritance.
Arrhythmogenic right ventricular cardiomyopathy (ARVD). Also called: Arrhythmogenic right ventricular dysplasia; Cardiomyopathy, ARVC; Arrhythmogenic cardiomyopathy; Arrhythmogenic Right Ventricular Cardiomyopathy (ARVC). Identifiers: Orphanet 247, MedGen C0349788, MeSH D019571, MONDO:0016587. Disease mechanism: loss of function. Inheritance: Various modes of inheritance.

Submissions (2):

Color Diagnostics, LLC DBA Color Health
Classification: Uncertain significance for Cardiomyopathy. Last evaluated: 2025-06-29. Review status: criteria provided, single submitter. Criteria: ACMG Guidelines, 2015. Collection method: clinical testing. Allele origin: germline.
Comment: This missense variant replaces glutamine with lysine at codon 502 of the PKP2 protein. Computational prediction suggests that this variant may not impact protein structure and function. To our knowledge, functional studies have not been reported for this variant. This variant has not been reported in individuals affected with PKP2-related disorders in the literature. This variant has not been identified in the general population by the Genome Aggregation Database (gnomAD). The available evidence is insufficient to determine the role of this variant in disease conclusively. Therefore, this variant is classified as a Variant of Uncertain Significance.

All of Us Research Program, National Institutes of Health
Classification: Uncertain significance for Arrhythmogenic right ventricular cardiomyopathy. Last evaluated: 2023-06-08. Review status: criteria provided, single submitter. Criteria: ACMG Guidelines, 2015. Collection method: clinical testing. Allele origin: germline. Inheritance: Autosomal dominant inheritance. Observed: 1 variant allele, 1 heterozygote.
Comment: This missense variant replaces glutamine with lysine at codon 502 of the PKP2 protein. Computational prediction suggests that this variant may not impact protein structure and function (internally defined REVEL score threshold <= 0.5, PMID: 27666373). To our knowledge, functional studies have not been reported for this variant. This variant has not been reported in individuals affected with PKP2-related disorders in the literature. This variant has not been identified in the general population by the Genome Aggregation Database (gnomAD). The available evidence is insufficient to determine the role of this variant in disease conclusively. Therefore, this variant is classified as a Variant of Uncertain Significance.

This study involves interpretation of variants in research participants for the purpose of population health screening. Participant phenotype was not available at the time of variant classification. Additional details can be found in publication PMID: 35346344, PMCID: PMC8962531